The following is an entry in ClinVar:

ClinVar aggregate classification (germline): Uncertain significance (1 of 4 stars; one submission).

Conditions:
Fanconi anemia complementation group I (FANCI). Also called: FANCI-Related Fanconi Anemia. Identifiers: Orphanet 84, MedGen C1836861, MONDO:0012186, OMIM 609053.

Submission:

Laboratorio de Genetica e Diagnostico Molecular, Hospital Israelita Albert Einstein
Classification: Uncertain significance for Fanconi anemia complementation group I. Last evaluated: 2023-10-06. Review status: criteria provided, single submitter. Criteria: ACMG Guidelines, 2015. Collection method: clinical testing. Allele origin: germline. Affected: yes.
Comment: ACMG classification criteria: PM2 supporting, BP4 supporting

NM_001113378.2(FANCI):c.2344T>C (p.Ser782Pro)

Gene: FANCI (FA complementation group I; plus strand). Cytogenetic location: 15q26.1.
Variant type: single nucleotide variant.
Coding change: c.2344T>C on transcript NM_001113378.2 (MANE Select); coding-DNA position 2344, T replaced by C.
Protein change: p.Ser782Pro; replaces serine 782 with proline.
Molecular consequence: missense variant.
Genome position (GRCh38, 1-based): chr15:89,293,885, T>C. VCF-style: chr15-89293885-T-C. GRCh37 (hg19) VCF-style: chr15-89837116-T-C.
Other names: c.2065T>C, p.Ser689Pro (NM_001376910.1); c.2344T>C, p.Ser782Pro (NM_001376911.1, NM_018193.3); short protein forms S689P, S782P.
Identifiers: ClinVar variation 3902010 (VCV003902010.1).
Genomic context (GRCh38, chr15:89,293,885, plus strand): 5'-TTTTACAGTAAGAATAGGTTTGAGGACATTCTGAGCTTATTTATGTGTTACAAAAAACTC[T>C]CTGACATTCTTAATGAAAAAGCGGGTAAAGCCAAAACTAAAATGGCCAACAAGACAAGTG-3'
Protein context (NP_001106849.1, residues 772-792): LSLFMCYKKL[Ser782Pro]DILNEKAGKA